The following is an entry in ClinVar:

ClinVar aggregate classification (germline): Uncertain significance. Review status: criteria provided, multiple submitters, no conflicts (2 of 4 stars). 2 submissions from 2 submitters: Uncertain significance (2). Last evaluated 2022-08-16.

Conditions:
Inborn genetic diseases. Identifiers: MedGen C0950123, MeSH D030342.

Allele frequency attached by ClinVar (database versions not stated): gnomAD exomes 0.00001 and 0.00002; ExAC 0.00003; gnomAD 0.00007 and 0.00009; ESP Exome Variant Server 0.00008; TOPMed 0.00009; 1000 Genomes Project 30x 0.00062; 1000 Genomes Project 0.00080.
gnomAD v4.1: 30 of 1,613,894 alleles (0.0019%); highest among the groups gnomAD compares: East Asian, 0.025%; no homozygotes.

Submissions (2):

Labcorp Genetics (formerly Invitae), Labcorp
Classification: Uncertain significance. Last evaluated: 2022-08-16. Review status: criteria provided, single submitter. Criteria: Invitae Variant Classification Sherloc (09022015). Collection method: clinical testing. Allele origin: germline.
Comment: This sequence change replaces proline, which is neutral and non-polar, with leucine, which is neutral and non-polar, at codon 2773 of the PCLO protein (p.Pro2773Leu). This variant is present in population databases (rs374547054, gnomAD 0.04%). This variant has not been reported in the literature in individuals affected with PCLO-related conditions. ClinVar contains an entry for this variant (Variation ID: 1520094). Algorithms developed to predict the effect of missense changes on protein structure and function are either unavailable or do not agree on the potential impact of this missense change (SIFT: "Deleterious"; PolyPhen-2: "Not Available"; Align-GVGD: "Class C0"). In summary, the available evidence is currently insufficient to determine the role of this variant in disease. Therefore, it has been classified as a Variant of Uncertain Significance.

Ambry Genetics
Classification: Uncertain significance for Inborn genetic diseases. Last evaluated: 2021-08-10. Review status: criteria provided, single submitter. Criteria: Ambry Variant Classification Scheme 2023. Collection method: clinical testing. Allele origin: germline.

NM_033026.6(PCLO):c.8318C>T (p.Pro2773Leu)

Gene: PCLO (piccolo presynaptic cytomatrix protein; minus strand). Cytogenetic location: 7q21.11.
Variant type: single nucleotide variant.
Coding change: c.8318C>T on transcript NM_033026.6 (MANE Select); coding-DNA position 8318, C replaced by T.
Protein change: p.Pro2773Leu; replaces proline 2773 with leucine.
Molecular consequence: missense variant.
Genome position (GRCh38, 1-based): chr7:82,952,635, G>A on the plus strand (C>T on the coding strand, the complement: PCLO is on the minus strand). VCF-style: chr7-82952635-G-A. GRCh37 (hg19) VCF-style: chr7-82581951-G-A.
Other names: c.8318C>T, p.Pro2773Leu (NM_014510.3); c.8318C>T (NM_033026.5); short protein forms P2773L.
Identifiers: ClinVar variation 1520094 (VCV001520094.4), dbSNP rs374547054, ClinGen allele CA4320142.
Genomic context (GRCh38, chr7:82,952,635, plus strand): 5'-TCAGTGGCCAGAGATACAGGAGTCACTATTGATGATGTCACACTAAGATTTATAATAGAG[G>A]GTTGGACAGCACTAATTTGTTTCCCATAAACTTCATTTGCTGTGATCTGCCTTTTCACAT-3'
Protein context (NP_149015.2, residues 2763-2783): VYGKQISAVQ[Pro2773Leu]SIINLSVTSS